The following is an entry in ClinVar:

NM_018943.3(TUBA8):c.867del (p.Glu290fs)

Gene: TUBA8 (tubulin alpha 8; plus strand). Cytogenetic location: 22q11.21.
Variant type: Deletion.
Coding change: c.867del on transcript NM_018943.3 (MANE Select); coding-DNA position 867, one base deleted (C; older notation c.867delC).
Protein change: p.Glu290fs; shifts the reading frame from glutamic acid 290.
Molecular consequence: frameshift variant.
Genome position (GRCh38, 1-based): chr22:18,126,845, C deleted; the last of 2 consecutive C bases (chr22:18,126,844-18,126,845); deleting either gives the same sequence. VCF-style (leftmost placement, unchanged base first): chr22-18126843-GC-G. GRCh37 (hg19) VCF-style: chr22-18609610-GC-G.
Other names: c.669del, p.Glu224fs (NM_001193414.2); short protein forms E224fs, E290fs.
Identifiers: ClinVar variation 2705075 (VCV002705075.3), dbSNP rs2517709298, ClinGen allele CA2697547664.

ClinVar aggregate classification (germline): Uncertain significance (1 of 4 stars; one submission).

Submission:

Labcorp Genetics (formerly Invitae), Labcorp
Classification: Uncertain significance. Last evaluated: 2023-12-23. Review status: criteria provided, single submitter. Criteria: Invitae Variant Classification Sherloc (09022015). Collection method: clinical testing. Allele origin: germline.
Comment: This sequence change creates a premature translational stop signal (p.Glu290Argfs*2) in the TUBA8 gene. It is expected to result in an absent or disrupted protein product. However, the current clinical and genetic evidence is not sufficient to establish whether loss-of-function variants in TUBA8 cause disease. This variant is not present in population databases (gnomAD no frequency). This variant has not been reported in the literature in individuals affected with TUBA8-related conditions. In summary, the available evidence is currently insufficient to determine the role of this variant in disease. Therefore, it has been classified as a Variant of Uncertain Significance.